The following is an entry in ClinVar:

ClinVar aggregate classification (germline): Pathogenic (1 of 4 stars; one submission).

Conditions:
Ataxia-telangiectasia syndrome (AT). Also called: Ataxia-telangiectasia, complementation group D; AT, COMPLEMENTATION GROUP C; Ataxia telangiectasia (A-T); Cerebello-oculocutaneous telangiectasia; Immunodeficiency with ataxia telangiectasia; ATAXIA-TELANGIECTASIA, COMPLEMENTATION GROUP A. Identifiers: Orphanet 100, MedGen C0004135, MONDO:0008840, OMIM 208900.

Submission:

Labcorp Genetics (formerly Invitae), Labcorp
Classification: Pathogenic for Ataxia-telangiectasia syndrome. Last evaluated: 2018-08-14. Review status: criteria provided, single submitter. Criteria: Invitae Variant Classification Sherloc (09022015). Collection method: clinical testing. Allele origin: germline.
Comment: This variant, c.3285-2_3296dupAGATTGTTCCAGGA, results in the duplication of 14 nucleotides and creates a premature translational stop signal (p.Asp1099Glufs*15) in the ATM gene. It is expected to result in an absent or disrupted protein product. This variant is not present in population databases (ExAC no frequency). This variant has not been reported in the literature in individuals with ATM-related disease. Loss-of-function variants in ATM are known to be pathogenic (PMID: 23807571, 25614872). For these reasons, this variant has been classified as Pathogenic.

Literature cited by the submitters: PubMed 23807571; PubMed 25614872.

NM_000051.4(ATM):c.3285-2_3296dup

Gene: ATM (ATM serine/threonine kinase; plus strand). Cytogenetic location: 11q22.3.
Variant type: Duplication.
Coding change: c.3285-2_3296dup on transcript NM_000051.4 (MANE Select); the canonical splice acceptor site of the intron before coding-DNA position 3285 through coding-DNA position 3296, 14 bases duplicated (AGATTGTTCCAGGA).
Molecular consequence: splice acceptor variant.
Genome position (GRCh38, 1-based): chr11:108,279,489-108,279,502, AGATTGTTCCAGGA duplicated; duplicating any 14 consecutive bases within chr11:108,279,488-108,279,502 gives the same sequence; the c. name uses the placement nearest the transcript's 3' end. VCF-style (leftmost placement, unchanged base first): chr11-108279487-T-TAAGATTGTTCCAGG. GRCh37 (hg19) VCF-style: chr11-108150214-T-TAAGATTGTTCCAGG.
Other names: c.3285-2_3296dupAGATTGTTCCAGGA (NM_000051.3); c.3285-2_3296dup (NM_001351834.2).
Identifiers: ClinVar variation 664095 (VCV000664095.6), dbSNP rs1591631866, ClinGen allele CA915944391.
Genomic context (GRCh38, chr11:108,279,487, plus strand): 5'-AGTAGGGTTTGAAATTAGAAAATTATTTCACTTTTTGTTTGTTTGTTTGCTTGCTTGTTT[T>TAAGATTGTTCCAGG]AAGATTGTTCCAGGACACGAAGGGAGATTCTTCCAGGTTACTGAAAGCACTTCCTTTGAA-3'